The following is an entry in ClinVar:

NM_000138.5(FBN1):c.*1580G>A

Gene: FBN1 (fibrillin 1; minus strand). Cytogenetic location: 15q21.1.
Variant type: single nucleotide variant.
Coding change: c.*1580G>A on transcript NM_000138.5 (MANE Select); 1580 bases downstream of the stop codon, G replaced by A.
Molecular consequence: 3 prime UTR variant.
Genome position (GRCh38, 1-based): chr15:48,409,410, C>T on the plus strand (G>A on the coding strand, the complement: FBN1 is on the minus strand). VCF-style: chr15-48409410-C-T. GRCh37 (hg19) VCF-style: chr15-48701607-C-T.
Identifiers: ClinVar variation 316328 (VCV000316328.36), dbSNP rs17352989, ClinGen allele CA10636134.

ClinVar aggregate classification (germline): Conflicting classifications of pathogenicity. Review status: criteria provided, conflicting classifications (1 of 4 stars). 8 submissions from 2 submitters: Uncertain significance (1); Benign (6); Likely benign (1). Last evaluated 2023-07-01.

Conditions:
Weill-Marchesani syndrome. Also called: WM Syndrome; Mesodermal dysmorphodystrophy congenital. Identifiers: Orphanet 3449, MedGen C0265313, MONDO:0018096.
Familial thoracic aortic aneurysm and aortic dissection (TAAD). Also called: Thoracic aortic aneurysms and dissections. Identifiers: Orphanet 91387, MedGen C4707243, MONDO:0019625.
Acromicric dysplasia (ACMICD). Also called: Acromicric skeletal dysplasia. Identifiers: Orphanet 969, MedGen C0265287, MONDO:0007055, OMIM 102370.
Geleophysic dysplasia. Identifiers: Orphanet 2623, MedGen C3489726, MONDO:0000127.
Marfan syndrome (MFS). Also called: MARFAN SYNDROME, TYPE I; Marfan syndrome type 1; Marfan's syndrome; FBN1-Related Marfan Syndrome; Marfan syndrome, classic. Identifiers: Orphanet 284963, Orphanet 558, MedGen C0024796, MONDO:0007947, OMIM 154700.
Stiff skin syndrome (SSKS). Identifiers: Orphanet 2833, MedGen C1861456, MONDO:0008492, OMIM 184900.
Ectopia lentis 1, isolated, autosomal dominant (ECTOL1). Identifiers: Orphanet 1885, MedGen C3541518, MONDO:0007514, OMIM 129600.

Allele frequency attached by ClinVar (database versions not stated): 1000 Genomes Project 0.00180; 1000 Genomes Project 30x 0.00219; gnomAD 0.00495 and 0.00504; TOPMed 0.00506.

Submissions (8):

CeGaT Center for Human Genetics Tuebingen
Classification: Benign. Last evaluated: 2023-07-01. Review status: criteria provided, single submitter. Criteria: CeGaT Center For Human Genetics Tuebingen Variant Classification Criteria Version 2. Collection method: clinical testing. Allele origin: germline. Affected: yes. Observed: 14 variant alleles.
Comment: FBN1: BS1, BS2

Illumina Laboratory Services, Illumina
Classification: Benign for Stiff skin syndrome. Last evaluated: 2018-01-13. Review status: criteria provided, single submitter. Criteria: ICSL Variant Classification Criteria 13 December 2019. Collection method: clinical testing. Allele origin: germline.
Comment: This variant was observed in the ICSL laboratory as part of a predisposition screen in an ostensibly healthy population. It had not been previously curated by ICSL or reported in the Human Gene Mutation Database (HGMD: prior to June 1st, 2018), and was therefore a candidate for classification through an automated scoring system. Utilizing variant allele frequency, disease prevalence and penetrance estimates, and inheritance mode, an automated score was calculated to assess if this variant is too frequent to cause the disease. Based on the score and internal cut-off values, a variant classified as benign is not then subjected to further curation. The score for this variant resulted in a classification of benign for this disease.

Illumina Laboratory Services, Illumina
Classification: Uncertain significance for Familial thoracic aortic aneurysm and aortic dissection. Last evaluated: 2018-01-13. Review status: criteria provided, single submitter. Criteria: ICSL Variant Classification Criteria 13 December 2019. Collection method: clinical testing. Allele origin: germline.

Illumina Laboratory Services, Illumina
Classification: Benign for Ectopia lentis 1, isolated, autosomal dominant. Last evaluated: 2018-01-13. Review status: criteria provided, single submitter. Criteria: ICSL Variant Classification Criteria 13 December 2019. Collection method: clinical testing. Allele origin: germline.
Comment: the same text as in the submission from Illumina Laboratory Services, Illumina above.

Illumina Laboratory Services, Illumina
Classification: Benign for Acromicric dysplasia. Last evaluated: 2018-01-13. Review status: criteria provided, single submitter. Criteria: ICSL Variant Classification Criteria 13 December 2019. Collection method: clinical testing. Allele origin: germline.
Comment: the same text as in the submission from Illumina Laboratory Services, Illumina above.

Illumina Laboratory Services, Illumina
Classification: Benign for Geleophysic dysplasia. Last evaluated: 2018-01-13. Review status: criteria provided, single submitter. Criteria: ICSL Variant Classification Criteria 13 December 2019. Collection method: clinical testing. Allele origin: germline.
Comment: the same text as in the submission from Illumina Laboratory Services, Illumina above.

Illumina Laboratory Services, Illumina
Classification: Likely benign for Marfan syndrome. Last evaluated: 2018-01-13. Review status: criteria provided, single submitter. Criteria: ICSL Variant Classification Criteria 13 December 2019. Collection method: clinical testing. Allele origin: germline.
Comment: This variant was observed in the ICSL laboratory as part of a predisposition screen in an ostensibly healthy population. It had not been previously curated by ICSL or reported in the Human Gene Mutation Database (HGMD: prior to June 1st, 2018), and was therefore a candidate for classification through an automated scoring system. Utilizing variant allele frequency, disease prevalence and penetrance estimates, and inheritance mode, an automated score was calculated to assess if this variant is too frequent to cause the disease. Based on the score and internal cut-off values, a variant classified as likely benign is not then subjected to further curation. The score for this variant resulted in a classification of likely benign for this disease.

Illumina Laboratory Services, Illumina
Classification: Benign for Weill-Marchesani syndrome. Last evaluated: 2018-01-13. Review status: criteria provided, single submitter. Criteria: ICSL Variant Classification Criteria 13 December 2019. Collection method: clinical testing. Allele origin: germline.
Comment: the same text as in the submission from Illumina Laboratory Services, Illumina above.